The following is an entry in ClinVar:

ClinVar aggregate classification (germline): Uncertain significance (1 of 4 stars; one submission).

Allele frequency attached by ClinVar (database versions not stated): gnomAD 0.00001; gnomAD exomes 0.00001; TOPMed 0.00001.
gnomAD v4.1: 9 of 1,549,054 alleles (0.00058%); highest among the groups gnomAD compares: East Asian, 0.0024%; no homozygotes.

Submission:

Labcorp Genetics (formerly Invitae), Labcorp
Classification: Uncertain significance. Last evaluated: 2022-02-08. Review status: criteria provided, single submitter. Criteria: Invitae Variant Classification Sherloc (09022015). Collection method: clinical testing. Allele origin: germline.
Comment: In summary, the available evidence is currently insufficient to determine the role of this variant in disease. Therefore, it has been classified as a Variant of Uncertain Significance. Algorithms developed to predict the effect of missense changes on protein structure and function are either unavailable or do not agree on the potential impact of this missense change (SIFT: "Tolerated"; PolyPhen-2: "Probably Damaging"; Align-GVGD: "Class C0"). This variant has not been reported in the literature in individuals affected with CTDP1-related conditions. This variant is present in population databases (no rsID available, gnomAD 0.01%). This sequence change replaces aspartic acid, which is acidic and polar, with asparagine, which is neutral and polar, at codon 863 of the CTDP1 protein (p.Asp863Asn).

NM_004715.5(CTDP1):c.2587G>A (p.Asp863Asn)

Gene: CTDP1 (CTD phosphatase subunit 1; plus strand). Cytogenetic location: 18q23.
Variant type: single nucleotide variant.
Coding change: c.2587G>A on transcript NM_004715.5 (MANE Select); coding-DNA position 2587, G replaced by A.
Protein change: p.Asp863Asn; replaces aspartic acid 863 with asparagine.
Molecular consequence: missense variant. On other transcripts: synonymous variant (1), intron variant (1).
Genome position (GRCh38, 1-based): chr18:79,736,361, G>A. VCF-style: chr18-79736361-G-A. GRCh37 (hg19) VCF-style: chr18-77496361-G-A.
Other names: c.2230G>A, p.Asp744Asn (NM_001202504.1); c.2424G>A, p.Thr808= (NM_048368.4); c.2580+7292G>A (NM_001318511.2); short protein forms D863N, D744N.
Identifiers: ClinVar variation 2090390 (VCV002090390.3), dbSNP rs1276825829, ClinGen allele CA402834341.